The following is an entry in ClinVar:

NM_001009899.4(USF3):c.4383GCA[7] (p.Gln1474_Gln1478del)

Gene: USF3 (upstream transcription factor family member 3; minus strand). Cytogenetic location: 3q13.2.
Variant type: Microsatellite.
Coding change: c.4383GCA[7] on transcript NM_001009899.4 (MANE Select); seven copies in a row of the 3-base unit GCA starting at c.4383; the reference has 12 copies in a row; five copies, 15 bases deleted.
Protein change: p.Gln1474_Gln1478del.
Molecular consequence: inframe deletion.
Genome position (GRCh38, 1-based): chr3:113,657,264-113,657,278, TGCTGCTGCTGCTGC deleted on the plus strand (GCAGCAGCAGCAGCA on the coding strand, the reverse complement: USF3 is on the minus strand); deleting any 15 consecutive bases within chr3:113,657,264-113,657,300 gives the same sequence; the position shown is the placement nearest the transcript's 3' end. VCF-style (leftmost placement, unchanged base first): chr3-113657263-TTGCTGCTGCTGCTGC-T. GRCh37 (hg19) VCF-style: chr3-113376110-TTGCTGCTGCTGCTGC-T.
Identifiers: ClinVar variation 4820987 (VCV004820987.4).

ClinVar aggregate classification (germline): Benign (1 of 4 stars; one submission).

Submission:

CeGaT Center for Human Genetics Tuebingen
Classification: Benign. Last evaluated: 2026-03-01. Review status: criteria provided, single submitter. Criteria: CeGaT Center For Human Genetics Tuebingen Variant Classification Criteria Version 2. Collection method: clinical testing. Allele origin: germline. Affected: yes. Observed: 1 variant allele.
Comment: USF3: BS1, BS2